The following is an entry in ClinVar:

NM_016373.4(WWOX):c.172+103C>G

Gene: WWOX (WW domain containing oxidoreductase; plus strand). Cytogenetic location: 16q23.1.
Variant type: single nucleotide variant.
Coding change: c.172+103C>G on transcript NM_016373.4 (MANE Select); 103 bases into the intron after coding-DNA position 172, C replaced by G.
Molecular consequence: intron variant.
Genome position (GRCh38, 1-based): chr16:78,108,590, C>G. VCF-style: chr16-78108590-C-G. GRCh37 (hg19) VCF-style: chr16-78142487-C-G.
Other names: c.-167-1188C>G (NM_001291997.2); c.172+103C>G (NM_130791.5).
Identifiers: ClinVar variation 672722 (VCV000672722.2), dbSNP rs73562780, ClinGen allele CA284516380.

ClinVar aggregate classification (germline): Benign. Review status: criteria provided, multiple submitters, no conflicts (2 of 4 stars). 2 submissions from 2 submitters: Benign (2). Last evaluated 2018-06-14.

Allele frequency attached by ClinVar (database versions not stated): gnomAD exomes 0.00213; gnomAD 0.02038 and 0.02172; TOPMed 0.02311; 1000 Genomes Project 0.02676; 1000 Genomes Project 30x 0.02701.
gnomAD v4.1: 5,722 of 1,326,042 alleles (0.43%); highest among the groups gnomAD compares: African/African-American, 7.3%; 200 homozygotes.

Submissions (2):

GeneDx
Classification: Benign. Last evaluated: 2018-06-14. Review status: criteria provided, single submitter. Criteria: GeneDx Variant Classification (06012015). Collection method: clinical testing. Allele origin: germline. Affected: yes.
Comment: This variant is considered likely benign or benign based on one or more of the following criteria: it is a conservative change, it occurs at a poorly conserved position in the protein, it is predicted to be benign by multiple in silico algorithms, and/or has population frequency not consistent with disease.

Breakthrough Genomics
Classification: Benign. Review status: criteria provided, single submitter. Criteria: ACMG Guidelines, 2015. Collection method: not provided. Allele origin: germline. Inheritance: Autosomal recessive inheritance. Affected: yes.